The following is an entry in ClinVar:

NM_016239.4(MYO15A):c.4207-1G>T

Gene: MYO15A (myosin XVA; plus strand). Cytogenetic location: 17p11.2.
Variant type: single nucleotide variant.
Coding change: c.4207-1G>T on transcript NM_016239.4 (MANE Select); the canonical splice acceptor site of the intron before coding-DNA position 4207, G replaced by T.
Molecular consequence: splice acceptor variant.
Genome position (GRCh38, 1-based): chr17:18,132,452, G>T. VCF-style: chr17-18132452-G-T. GRCh37 (hg19) VCF-style: chr17-18035766-G-T.
Identifiers: ClinVar variation 3601333 (VCV003601333.1).

ClinVar aggregate classification (germline): Likely pathogenic (1 of 4 stars; one submission).

Conditions:
Autosomal recessive nonsyndromic hearing loss 3. Also called: NEUROSENSORY NONSYNDROMIC RECESSIVE DEAFNESS 3. Identifiers: Orphanet 90636, MedGen C1838263, MONDO:0010860, OMIM 600316.

Submission:

Institute of Rare Diseases, West China Hospital, Sichuan University
Classification: Likely pathogenic for Autosomal recessive nonsyndromic hearing loss 3. Last evaluated: 2025-01-09. Review status: criteria provided, single submitter. Criteria: ClinGen HL ACMG Specifications v1. Collection method: research. Allele origin: germline. Affected: yes.
Comment: PVS1;PM2_Supporting